The following is an entry in ClinVar:

NM_014585.6(SLC40A1):c.212C>G (p.Ser71Cys)

Gene: SLC40A1 (solute carrier family 40 member 1; minus strand). Cytogenetic location: 2q32.2.
Variant type: single nucleotide variant.
Coding change: c.212C>G on transcript NM_014585.6 (MANE Select); coding-DNA position 212, C replaced by G.
Protein change: p.Ser71Cys; replaces serine 71 with cysteine.
Molecular consequence: missense variant.
Genome position (GRCh38, 1-based): chr2:189,575,220, G>C on the plus strand (C>G on the coding strand, the complement: SLC40A1 is on the minus strand). VCF-style: chr2-189575220-G-C. GRCh37 (hg19) VCF-style: chr2-190439946-G-C.
Other names: short protein forms S71C.
Identifiers: ClinVar variation 2200458 (VCV002200458.4), dbSNP rs1040988213, ClinGen allele CA62904039.
Genomic context (GRCh38, chr2:189,575,220, plus strand): 5'-CCTTTAAGTCTAGCATTCTTGTCCACCCAGTCACCGATGATGGCTCCCAGGACCAGAACA[G>C]ACCCTGCCACCACCAGCCCGTAGACTGCTGTCAAAAGGAGGCTGTTTCCATAGAGCTCTA-3'
Protein context (NP_055400.1, residues 61-81): TAVYGLVVAG[Ser71Cys]VLVLGAIIGD

ClinVar aggregate classification (germline): Uncertain significance (1 of 4 stars; one submission).

Conditions:
Hemochromatosis type 4 (HFE4). Also called: HEMOCHROMATOSIS DUE TO DEFECT IN FERROPORTIN; HEMOCHROMATOSIS, AUTOSOMAL DOMINANT; Ferroportin disease. Identifiers: Orphanet 139491, Orphanet 647834, Orphanet 648562, MedGen C1853733, MONDO:0011631, OMIM 606069.

Allele frequency attached by ClinVar (database versions not stated): gnomAD 0.00001; gnomAD exomes 0.00001; TOPMed 0.00001.

Submission:

Labcorp Genetics (formerly Invitae), Labcorp
Classification: Uncertain significance for Hemochromatosis type 4. Last evaluated: 2022-09-27. Review status: criteria provided, single submitter. Criteria: Invitae Variant Classification Sherloc (09022015). Collection method: clinical testing. Allele origin: germline.
Comment: In summary, the available evidence is currently insufficient to determine the role of this variant in disease. Therefore, it has been classified as a Variant of Uncertain Significance. Advanced modeling of protein sequence and biophysical properties (such as structural, functional, and spatial information, amino acid conservation, physicochemical variation, residue mobility, and thermodynamic stability) performed at Invitae indicates that this missense variant is not expected to disrupt SLC40A1 protein function. This variant has not been reported in the literature in individuals affected with SLC40A1-related conditions. This variant is present in population databases (no rsID available, gnomAD 0.003%). This sequence change replaces serine, which is neutral and polar, with cysteine, which is neutral and slightly polar, at codon 71 of the SLC40A1 protein (p.Ser71Cys).